The following continues an entry in ClinVar:

NM_003000.3(SDHB):c.725G>A (p.Arg242His)

Gene: SDHB. ClinVar aggregate classification (germline): Pathogenic/Likely pathogenic. Pathogenic (20); Likely pathogenic (2).

Submissions 6 to 13 of 25:

All of Us Research Program, National Institutes of Health
Classification: Pathogenic for Hereditary pheochromocytoma and paraganglioma. Last evaluated: 2024-08-08. Review status: criteria provided, single submitter. Criteria: ACMG Guidelines, 2015. Collection method: clinical testing. Allele origin: germline. Inheritance: Autosomal dominant inheritance. Observed: 1 variant allele, 1 heterozygote.
Comment: The c.725G>A variant in the SDHB gene is located on the exon 7 and is predicted to replace arginine with histidine at codon 242 (p.Arg242His). The variant has been reported in multiple unrelated individuals with paraganglioma/pheochromocytoma/renal cell carcinoma (PMID: 12000816, 32661476, 33748650, 36597280, 29925701, 33362715, 34906457). Alternative variants disrupting the same amino acid (p.Arg242Ser, p.Arg242Cys) have been interpreted as pathogenic (ClinVar ID: 239443, 186827). In vitro SDH activity assay and co-immunoprecipitation experiment in mammalian cells demonstrated impaired function and abolished interaction with the SDH aseembly factor SDHAF3 (PMID: 25972245, 28738844). The variant is reported in ClinVar (ID: 12781). The variant is rare in general population according to gnomAD (18/1613846 chromosomes, 0.001%) . Computational prediction algorithms suggest a deleterious impact for this variant (REVEL score 0.94). Therefore, the c.725G>A (p.Arg242His) variant in the SDHB gene is classified as pathogenic.

This study involves interpretation of variants in research participants for the purpose of population health screening. Participant phenotype was not available at the time of variant classification. Additional details can be found in publication PMID: 35346344, PMCID: PMC8962531

Myriad Genetics, Inc.
Classification: Likely pathogenic for Pheochromocytoma/paraganglioma syndrome 4. Last evaluated: 2024-02-08. Review status: criteria provided, single submitter. Criteria: Myriad Autosomal Dominant, Autosomal Recessive and X-Linked Classification Criteria (2023). Collection method: clinical testing. Allele origin: unknown.
Comment: This variant is considered likely pathogenic. This variant has been reported in multiple individuals with clinical features of gene-specific disease [PMID: 30050099, 32462735, 33362715, 34439168]. This variant is expected to disrupt protein structure [Myriad internal data].

ARUP Laboratories, Molecular Genetics and Genomics, ARUP Laboratories
Classification: Pathogenic. Last evaluated: 2023-08-02. Review status: criteria provided, single submitter. Criteria: ARUP Molecular Germline Variant Investigation Process 2024. Collection method: clinical testing. Allele origin: germline.
Comment: The SDHB c.725G>A; p.Arg242His variant (rs74315368) is reported in the literature in individuals affected with paraganglioma or pheochromocytoma (Luiz 2013, Neumann 2002, Neumann 2009, Niemeijer 2017, Young 2002). In at least one family, this variant was observed to segregate with disease (Young 2002). This variant is also reported in ClinVar (Variation ID: 12781). It is only found on three alleles in the Genome Aggregation Database, indicating it is not a common polymorphism. Computational analyses predict that this variant is deleterious (REVEL: 0.944). Consistent with these predictions, functional assays have observed that this variant exhibits decreased SDH/complex II activity (Kim 2015, Nesti 2015) and increased ubiquitination (Yang 2012). Additionally, other amino acid substitutions at this codon (p.Arg242Cys, p.Arg242Ser) have been reported in individuals with paraganglioma and are considered pathogenic (Badenhop 2004, Neumann 2009). Based on available information, the p.Arg242His variant is considered to be pathogenic. References: Badenhop RF et al. The prevalence of SDHB, SDHC, and SDHD mutations in patients with head and neck paraganglioma and association of mutations with clinical features. J Med Genet. 2004 Jul;41(7):e99. PMID: 15235042. Kim E et al. Structural and functional consequences of succinate dehydrogenase subunit B mutations. Endocr Relat Cancer. 2015 Jun;22(3):387-97. PMID: 25972245. Luiz HV et al. Malignant paraganglioma presenting with hemorrhagic stroke in a child. Pediatrics. 2013 Dec;132(6):e1709-14. PMID: 24276837. Nesti C et al. Additive effect of nuclear and mitochondrial mutations in a patient with mitochondrial encephalomyopathy. Hum Mol Genet. 2015 Jun 1;24(11):3248-56. PMID: 25736212. Neumann HP et al. Clinical predictors for germline mutations in head and neck paraganglioma patients: cost reduction strategy in genetic diagnostic process as fall-out. Cancer Res. 2009 Apr 15;69(8):3650-6. PMID: 19351833. Neumann HP et al. Germ-line mutations in nonsyndromic pheochromocytoma. N Engl J Med. 2002 May 9;346(19):1459-66. PMID: 12000816. Niemeijer ND et al. The phenotype of SDHB germline mutation carriers: a nationwide study. Eur J Endocrinol. 2017 Aug;177(2):115-125. PMID: 28490599. Yang C et al. Missense mutations in the human SDHB gene increase protein degradation without altering intrinsic enzymatic function. FASEB J. 2012 Nov;26(11):4506-16. PMID: 22835832. Young AL et al. Familial malignant catecholamine-secreting paraganglioma with prolonged survival associated with mutation in the succinate dehydrogenase B gene. J Clin Endocrinol Metab. 2002 Sep;87(9):4101-5. PMID: 12213855.

Women's Health and Genetics/Laboratory Corporation of America, LabCorp
Classification: Pathogenic for Hereditary pheochromocytoma and paraganglioma. Last evaluated: 2023-04-27. Review status: criteria provided, single submitter. Criteria: LabCorp Variant Classification Summary - May 2015. Collection method: clinical testing. Allele origin: germline.
Comment: Variant summary: SDHB c.725G>A (p.Arg242His) results in a non-conservative amino acid change in the encoded protein sequence. Five of five in-silico tools predict a damaging effect of the variant on protein function. The variant allele was found at a frequency of 1.2e-05 in 251440 control chromosomes. c.725G>A has been reported in the literature in multiple individuals affected with features of Hereditary Paraganglioma-Pheochromocytoma Syndrome (example, Persu_2008, Amar_2007, Young_2002, Benn_2006, Neumann_2004, Neumann_2002). These data indicate that the variant is very likely to be associated with disease. The following publications have been ascertained in the context of this evaluation (PMID: 12000816, 17652212, 16317055, 15328326, 18551016, 12213855). Ten clinical diagnostic laboratories have submitted clinical-significance assessments for this variant to ClinVar after 2014 without evidence for independent evaluation. All laboratories classified the variant as pathogenic. Based on the evidence outlined above, the variant was classified as pathogenic.

GeneDx
Classification: Pathogenic. Last evaluated: 2023-01-27. Review status: criteria provided, single submitter. Criteria: GeneDx Variant Classification Process June 2021. Collection method: clinical testing. Allele origin: germline. Affected: yes.
Comment: Published functional studies demonstrate a damaging effect: significantly reduced SDH/complex II activity and abrogated SDHAF3 interaction (Kim et al., 2015; Nesti et al., 2015; Dwight et al., 2017); Not observed at significant frequency in large population cohorts (gnomAD); In silico analysis supports that this missense variant has a deleterious effect on protein structure/function; This variant is associated with the following publications: (PMID: 12213855, 19393419, 23433498, 25025441, 17102084, 29925701, 34906457, 32782288, 24606901, 22835832, 25736212, 12000816, 25972245, 21173220, 20208144, 22293219, 19258401, 17652212, 19802898, 22270996, 25047027, 19454582, 18551016, 28374168, 25899001, 27573198, 15328326, 24276837, 25873086, 19075037, 16317055, 28503760, 29386252, 29204718, 29951630, 29800631, 29950348, 28748451, 31212687, 30549360, 31104306, 30658386, 28490599, 31492822, 30050099, 26464466, 31589614, 32741965, 33644666, 30787465, 28738844)

Blueprint Genetics
Classification: Pathogenic for SDHB-related disorders. Last evaluated: 2022-05-04. Review status: criteria provided, single submitter. Criteria: ACMG Guidelines, 2015. Collection method: clinical testing. Allele origin: germline. Affected: yes. Observed: 1 variant allele.

Dasa
Classification: Pathogenic for SDHB-related disorder. Last evaluated: 2022-02-14. Review status: criteria provided, single submitter. Criteria: ACMG Guidelines, 2015. Collection method: clinical testing. Allele origin: germline. Affected: yes. Observed: 1 variant allele.
Comment: Well-established in vitro or in vivo functional studies supportive of a damaging effect on the gene or gene product (PMID: 25972245; 25736212; 22835832) - PS3. The c.725G>A;p.(Arg242His) missense variant has been observed in affected individual(s) and ClinVar contains an entry for this variant (ClinVar ID: 12781; OMIM: 185470.0004; PMID: 12000816; 20208144; 24276837; 12213855; 17102084; 22270996) - PS4. The variant is located in a mutational hot spot and/or critical and well-established functional domain (Fer4) - PM1. This variant is not present in population databases (rs7431536, gnomAD; ABraOM no frequency) - PM2. Pathogenic missense variant in this residue have been reported (ClinVar ID: 239443 - c.724C>A (p.Arg242Ser); ClinVar ID: 186827 - c.724C>T (p.Arg242Cys)) - PM5. Missense variant in SDHB that has a low rate of benign missense variation and in which missense variants are a common mechanism of disease - PP2. In summary, the currently available evidence indicates that the variant is pathogenic.

Victorian Clinical Genetics Services, Murdoch Childrens Research Institute
Classification: Pathogenic for Mitochondrial complex 2 deficiency, nuclear type 4. Last evaluated: 2022-02-02. Review status: criteria provided, single submitter. Criteria: ACMG Guidelines, 2015. Collection method: clinical testing. Allele origin: germline.
Comment: Based on the classification scheme VCGS_Germline_v1.3.4, this variant is classified as Pathogenic. Following criteria are met: 0102 - Loss of function is a known mechanism of disease in this gene and is associated with mitochondrial complex II deficiency, nuclear type 4 (MIM#619224), pheochromocytoma (MIM#171300) and paragangliomas 4 (MIM#115310). (I) 0108 - This gene is associated with both recessive and dominant disease. However, the genotype-phenotype correlation is currently unestablished (OMIM). (I) 0112 - The condition associated with this gene has incomplete penetrance (GeneReviews). I) 0200 - Variant is predicted to result in a missense amino acid change from arginine to histidine. (I) 0251 - This variant is heterozygous. (I) 0302 - Variant is present in gnomAD (v2) <0.001 for a dominant condition (3 heterozygotes, 0 homozygotes). (SP) 0501 - Missense variant consistently predicted to be damaging by multiple in silico tools or highly conserved with a major amino acid change. (SP) 0600 - Variant is located in the annotated 4Fe-4S dicluster domain (DECIPHER). (I) 0801 - This variant has strong previous evidence of pathogenicity in unrelated individuals. It has been reported in several individuals with pheochromocytoma (MIM#171300) and/or paragangliomas 4 (MIM#115310), rarely in non-paraganglioma tumours such as gastrointestinal stromal tumour and a single case of mitochondrial encephalomyopathy (PMID: 32460727, 33748650, 28490599, 21173220, 25736212). (SP) 1208 - Inheritance information for this variant is not currently available in this individual. (I) Legend: (SP) - Supporting pathogenic, (I) - Information, (SB) - Supporting benign